The following is an entry in ClinVar:

ClinVar aggregate classification (germline): Likely pathogenic (1 of 4 stars; one submission).

Conditions:
Severe X-linked myotubular myopathy (CNMX). Also called: MYOTUBULAR MYOPATHY 1; Myotubular myopathy, X-linked; X-linked centronuclear myopathy. Identifiers: Orphanet 596, MedGen C0410203, MONDO:0010683, OMIM 310400.

Submission:

Myriad Genetics, Inc.
Classification: Likely pathogenic for Severe X-linked myotubular myopathy. Last evaluated: 2022-02-22. Review status: criteria provided, single submitter. Criteria: Myriad Women's Health Autosomal Recessive and X-Linked Classification Criteria (2021). Collection method: clinical testing. Allele origin: unknown.
Comment: NM_000252.2(MTM1):c.1195_1199del5ins3(S399Cfs*2) is expected to be pathogenic in the context of X-linked myotubular myopathy. This variant is predicted to lead to an abnormal or absent protein product due to the creation of a premature termination codon in MTM1, a gene where loss-of-function variants are known to be pathogenic. Please note: this variant was assessed in the context of healthy population screening.

NM_000252.3(MTM1):c.1195_1199delinsTGC (p.Ser399fs)

Gene: MTM1 (myotubularin 1; plus strand). Cytogenetic location: Xq28.
Variant type: Indel.
Coding change: c.1195_1199delinsTGC on transcript NM_000252.3 (MANE Select); coding-DNA positions 1195 to 1199, AGCAT replaced by TGC.
Protein change: p.Ser399fs; shifts the reading frame from serine 399.
Molecular consequence: frameshift variant.
Genome position (GRCh38, 1-based): chrX:150,657,962-150,657,966, AGCAT replaced by TGC. VCF-style: chrX-150657962-AGCAT-TGC. GRCh37 (hg19) VCF-style: chrX-149826435-AGCAT-TGC.
Other names: c.1195_1199delinsTGC, p.Ser399fs (NM_001376906.1, NM_001376908.1); c.1084_1088delinsTGC, p.Ser362fs (NM_001376907.1); short protein forms S362fs, S399fs.
Identifiers: ClinVar variation 1724621 (VCV001724621.2), dbSNP rs2522435614, ClinGen allele CA2580101647.